The following is an entry in ClinVar:

ClinVar aggregate classification (germline): Conflicting classifications of pathogenicity. Review status: criteria provided, conflicting classifications (1 of 4 stars). 5 submissions from 5 submitters: Uncertain significance (4); Likely benign (1). Last evaluated 2025-09-23.

Conditions:
SPTLC1-related disorder. Also called: SPTLC1-related condition.
Inborn genetic diseases. Identifiers: MedGen C0950123, MeSH D030342.
Hereditary sensory and autonomic neuropathy type 1 (HSAN1). Also called: HSAN 1; HSN Type I; Hereditary Sensory Neuropathy Type I. Identifiers: Orphanet 36386, MedGen C0020071, MONDO:0018213.

Allele frequency attached by ClinVar (database versions not stated): gnomAD 0.00005 and 0.00004; TOPMed 0.00003; ExAC 0.00002; gnomAD exomes 0.00004; ESP Exome Variant Server 0.00008.
gnomAD v4.1: 60 of 1,593,112 alleles (0.0038%); highest among the groups gnomAD compares: Non-Finnish European, 0.0048%; no homozygotes.

Submissions (5):

PreventionGenetics, part of Exact Sciences
Classification: Uncertain significance for SPTLC1-related condition. Last evaluated: 2025-09-23. Review status: criteria provided, single submitter. Criteria: ACMG Guidelines, 2015. Collection method: clinical testing. Allele origin: germline.
Comment: The SPTLC1 c.784A>G variant is predicted to result in the amino acid substitution p.Lys262Glu. To our knowledge, this variant has not been reported in the literature. This variant is reported in 0.0070% of alleles in individuals of European (non-Finnish) descent in gnomAD. At this time, the clinical significance of this variant is uncertain due to the absence of conclusive functional and genetic evidence.

Labcorp Genetics (formerly Invitae), Labcorp
Classification: Uncertain significance for Hereditary sensory and autonomic neuropathy type 1. Last evaluated: 2025-01-03. Review status: criteria provided, single submitter. Criteria: Invitae Variant Classification Sherloc (09022015). Collection method: clinical testing. Allele origin: germline.
Comment: This sequence change replaces lysine, which is basic and polar, with glutamic acid, which is acidic and polar, at codon 262 of the SPTLC1 protein (p.Lys262Glu). This variant is present in population databases (rs139086093, gnomAD 0.006%). This variant has not been reported in the literature in individuals affected with SPTLC1-related conditions. ClinVar contains an entry for this variant (Variation ID: 234762). Invitae Evidence Modeling of protein sequence and biophysical properties (such as structural, functional, and spatial information, amino acid conservation, physicochemical variation, residue mobility, and thermodynamic stability) indicates that this missense variant is not expected to disrupt SPTLC1 protein function with a negative predictive value of 80%. In summary, the available evidence is currently insufficient to determine the role of this variant in disease. Therefore, it has been classified as a Variant of Uncertain Significance.

Women's Health and Genetics/Laboratory Corporation of America, LabCorp
Classification: Uncertain significance. Last evaluated: 2024-10-08. Review status: criteria provided, single submitter. Criteria: LabCorp Variant Classification Summary - May 2015. Collection method: clinical testing. Allele origin: germline.
Comment: Variant summary: SPTLC1 c.784A>G (p.Lys262Glu) results in a conservative amino acid change located in the Aminotransferase, class I/classII, large domain (IPR004839) of the encoded protein sequence. Five of five in-silico tools predict a benign effect of the variant on protein function. The variant allele was found at a frequency of 3.6e-05 in 251018 control chromosomes. The available data on variant occurrences in the general population are insufficient to allow any conclusion about variant significance. To our knowledge, no occurrence of c.784A>G in individuals affected with Neuropathy, hereditary sensory and autonomic, type 1A and no experimental evidence demonstrating its impact on protein function have been reported. ClinVar contains an entry for this variant (Variation ID: 234762). Based on the evidence outlined above, the variant was classified as uncertain significance.

Ambry Genetics
Classification: Likely benign for Inborn genetic diseases. Last evaluated: 2020-02-26. Review status: criteria provided, single submitter. Criteria: Ambry Variant Classification Scheme 2023. Collection method: clinical testing. Allele origin: germline.

GeneDx
Classification: Uncertain significance. Last evaluated: 2018-01-02. Review status: criteria provided, single submitter. Criteria: GeneDx Variant Classification (06012015). Collection method: clinical testing. Allele origin: germline. Affected: yes.
Comment: The K262E variant in the SPTLC1 gene has not been reported previously as a pathogenic variant, nor as a benign variant, to our knowledge. The K262E variant was not observed at any significant frequency in approximately 6500 individuals of European and African American ancestry in the NHLBI Exome Sequencing Project, indicating it is not a common benign variant in these populations. The K262E variant is a non-conservative amino acid substitution, which is likely to impact secondary protein structure as these residues differ in polarity, charge, size and/or other properties. This substitution occurs at a position that is not conserved. In silico analysis is inconsistent in its predictions as to whether or not the variant is damaging to the protein structure/function. We interpret K262E as a variant of uncertain significance

NM_006415.4(SPTLC1):c.784A>G (p.Lys262Glu)

Gene: SPTLC1 (serine palmitoyltransferase long chain base subunit 1; minus strand). Cytogenetic location: 9q22.31.
Variant type: single nucleotide variant.
Coding change: c.784A>G on transcript NM_006415.4 (MANE Select); coding-DNA position 784, A replaced by G.
Protein change: p.Lys262Glu; replaces lysine 262 with glutamic acid.
Molecular consequence: missense variant.
Genome position (GRCh38, 1-based): chr9:92,050,064, T>C on the plus strand (A>G on the coding strand, the complement: SPTLC1 is on the minus strand). VCF-style: chr9-92050064-T-C. GRCh37 (hg19) VCF-style: chr9-94812346-T-C.
Other names: c.784A>G (LRG_272t1, NM_006415.3); c.784A>G, p.Lys262Glu (NM_001281303.2); c.418A>G, p.Lys140Glu (NM_001368272.1); c.319A>G, p.Lys107Glu (NM_001368273.1); short protein forms K262E, K107E, K140E.
Identifiers: ClinVar variation 234762 (VCV000234762.13), dbSNP rs139086093, ClinGen allele CA5121423.